The following is an entry in ClinVar:

ClinVar aggregate classification (germline): Uncertain significance (1 of 4 stars; one submission).

Allele frequency attached by ClinVar (database versions not stated): gnomAD exomes below 0.00001.
gnomAD v4.1: 2 of 1,614,012 alleles (0.00012%); highest among the groups gnomAD compares: South Asian, 0.0022%; no homozygotes.

Submission:

Ambry Genetics
Classification: Uncertain significance. Last evaluated: 2022-05-07. Review status: criteria provided, single submitter. Criteria: Ambry Variant Classification Scheme 2023. Collection method: clinical testing. Allele origin: germline.
Comment: The p.E247G variant (also known as c.740A>G), located in coding exon 2 of the TERF2IP gene, results from an A to G substitution at nucleotide position 740. The glutamic acid at codon 247 is replaced by glycine, an amino acid with similar properties. This amino acid position is conserved. In addition, this alteration is predicted to be tolerated by in silico analysis. Since supporting evidence is limited at this time, the clinical significance of this alteration remains unclear.

NM_018975.4(TERF2IP):c.740A>G (p.Glu247Gly)

Gene: TERF2IP (TERF2 interacting protein; plus strand). Cytogenetic location: 16q23.1.
Variant type: single nucleotide variant.
Coding change: c.740A>G on transcript NM_018975.4 (MANE Select); coding-DNA position 740, A replaced by G.
Protein change: p.Glu247Gly; replaces glutamic acid 247 with glycine.
Molecular consequence: missense variant. On other transcripts: non-coding transcript variant (1).
Genome position (GRCh38, 1-based): chr16:75,654,342, A>G. VCF-style: chr16-75654342-A-G. GRCh37 (hg19) VCF-style: chr16-75688240-A-G.
Other names: short protein forms E247G.
Identifiers: ClinVar variation 1758769 (VCV001758769.2), dbSNP rs2507086466, ClinGen allele CA396819159.